The following is an entry in ClinVar:

ClinVar aggregate classification (germline): Uncertain significance (1 of 4 stars; one submission).

Submission:

Labcorp Genetics (formerly Invitae), Labcorp
Classification: Uncertain significance. Last evaluated: 2021-07-15. Review status: criteria provided, single submitter. Criteria: Invitae Variant Classification Sherloc (09022015). Collection method: clinical testing. Allele origin: germline.
Comment: Algorithms developed to predict the effect of missense changes on protein structure and function are either unavailable or do not agree on the potential impact of this missense change (SIFT: "Not Available"; PolyPhen-2: "Possibly Damaging"; Align-GVGD: "Not Available"). This variant has not been reported in the literature in individuals affected with LZTR1-related conditions. The frequency data for this variant in the population databases is not available, as this variant may be reported as separate entries in the ExAC database. In summary, the available evidence is currently insufficient to determine the role of this variant in disease. Therefore, it has been classified as a Variant of Uncertain Significance. This sequence change replaces histidine with isoleucine at codon 52 of the LZTR1 protein (p.His52Ile). The histidine residue is highly conserved and there is a moderate physicochemical difference between histidine and isoleucine.

NM_006767.4(LZTR1):c.154_155delinsAT (p.His52Ile)

Gene: LZTR1 (leucine zipper like post translational regulator 1; plus strand). Cytogenetic location: 22q11.21.
Variant type: Indel.
Coding change: c.154_155delinsAT on transcript NM_006767.4 (MANE Select); coding-DNA positions 154 to 155, CA replaced by AT.
Protein change: p.His52Ile; replaces histidine 52 with isoleucine.
Molecular consequence: missense variant.
Genome position (GRCh38, 1-based): chr22:20,982,525-20,982,526, CA replaced by AT. VCF-style: chr22-20982525-CA-AT. GRCh37 (hg19) VCF-style: chr22-21336814-CA-AT.
Other names: short protein forms H52I.
Identifiers: ClinVar variation 1367701 (VCV001367701.8), dbSNP rs2147956876, ClinGen allele CA2573157720.
Genomic context (GRCh38, chr22:20,982,525, plus strand): 5'-CATAGCTGCTCGGACAGTGTCGAGTACCTGACGCTCAACTTCGGGCCCTTCGAAACAGTG[CA>AT]TCGCTGGCGGCGCCTCCCGCCCTGCGACGAGTTCGTGGGTGCCCGGTACGGTGGGCTTCA-3'
Protein context (NP_006758.2, residues 42-62): TLNFGPFETV[His52Ile]RWRRLPPCDE